The following is an entry in ClinVar:

ClinVar aggregate classification (germline): Likely pathogenic (1 of 4 stars; one submission).

Conditions:
Dilated cardiomyopathy 1G (CMD1G). Identifiers: Orphanet 154, MedGen C1858763, MONDO:0011400, OMIM 604145.
Autosomal recessive limb-girdle muscular dystrophy type 2J (LGMDR10). Also called: Limb-girdle muscular dystrophy, type 2J; MUSCULAR DYSTROPHY, LIMB-GIRDLE, AUTOSOMAL RECESSIVE 10. Identifiers: Orphanet 140922, MedGen C1837342, MONDO:0012127, OMIM 608807.

Submission:

Labcorp Genetics (formerly Invitae), Labcorp
Classification: Likely pathogenic for Dilated cardiomyopathy 1G; Autosomal recessive limb-girdle muscular dystrophy type 2J. Last evaluated: 2023-12-06. Review status: criteria provided, single submitter. Criteria: Invitae Variant Classification Sherloc (09022015). Collection method: clinical testing. Allele origin: germline.
Comment: This sequence change creates a premature translational stop signal (p.Val34130Leufs*10) in the TTN gene. While this is not anticipated to result in nonsense mediated decay, it is expected to create a truncated TTN protein. This variant is not present in population databases (gnomAD no frequency). This variant has not been reported in the literature in individuals affected with TTN-related conditions. This variant is located in the M band of TTN (PMID: 25589632). Truncating variants in this region have been previously reported in individuals affected with autosomal recessive myopathy and muscular dystrophy (PMID: 18948003, 23975875, 24395473). Truncating variants in this region have also been identified in individuals affected with autosomal dominant dilated cardiomyopathy and/or cardio-related conditions (PMID: 27869827, 32964742). In summary, the currently available evidence indicates that the variant is pathogenic, but additional data are needed to prove that conclusively. Therefore, this variant has been classified as Likely Pathogenic.

Literature cited by the submitters: PubMed 25589632; PubMed 18948003; PubMed 23975875; PubMed 24395473; PubMed 27869827; PubMed 32964742.

NM_001267550.2(TTN):c.102388_102397del (p.Val34130fs)

Genes: TTN (titin; minus strand), TTN-AS1 (TTN antisense RNA 1; plus strand). Cytogenetic location: 2q31.2.
Variant type: Deletion.
Coding change: c.102388_102397del on transcript NM_001267550.2 (MANE Select); coding-DNA positions 102388 to 102397, 10 bases deleted (GTGGCATCCA; older notation c.102388_102397delGTGGCATCCA).
Protein change: p.Val34130fs; shifts the reading frame from valine 34130.
Molecular consequence: frameshift variant.
Genome position (GRCh38, 1-based): chr2:178,534,218-178,534,227, TGGATGCCAC deleted on the plus strand (GTGGCATCCA on the coding strand, the reverse complement: TTN is on the minus strand); deleting any 10 consecutive bases within chr2:178,534,218-178,534,228 gives the same sequence; the c. name uses the placement nearest the transcript's 3' end. VCF-style (leftmost placement, unchanged base first): chr2-178534217-ATGGATGCCAC-A. GRCh37 (hg19) VCF-style: chr2-179398944-ATGGATGCCAC-A.
Other names: c.97465_97474del, p.Val32489fs (NM_001256850.1); c.75193_75202del, p.Val25065fs (NM_003319.4); c.94684_94693del, p.Val31562fs (NM_133378.4); c.75568_75577del, p.Val25190fs (NM_133432.3); c.75769_75778del, p.Val25257fs (NM_133437.4); short protein forms V25065fs, V25190fs, V25257fs, V31562fs, V34130fs, V32489fs.
Identifiers: ClinVar variation 2945723 (VCV002945723.3), dbSNP rs2468526669, ClinGen allele CA2740095899.